The following is an entry in ClinVar:

ClinVar aggregate classification (germline): Pathogenic/Likely pathogenic. Review status: criteria provided, multiple submitters, no conflicts (2 of 4 stars). 4 submissions from 4 submitters: Pathogenic (1); Likely pathogenic (2). 1 of the submissions does not count toward it. Last evaluated 2025-06-18.

Conditions:
Glycine encephalopathy. Also called: Non-ketotic hyperglycinemia; Nonketotic hyperglycinemia. Identifiers: Orphanet 407, MedGen C0751748, MONDO:0011612, HP:0008288.
Glycine encephalopathy 1 (GCE1). Identifiers: MedGen CN376801, MONDO:0958179, OMIM 605899.

gnomAD v4.1: 14 of 1,602,200 alleles (0.00087%); highest among the groups gnomAD compares: Non-Finnish European, 0.0012%; no homozygotes.

Submissions (4):

Myriad Genetics, Inc.
Classification: Likely pathogenic for Glycine encephalopathy 1. Last evaluated: 2025-06-18. Review status: criteria provided, single submitter. Criteria: Myriad Autosomal Dominant, Autosomal Recessive and X-Linked Classification Criteria (2023). Collection method: clinical testing. Allele origin: unknown.
Comment: NM_000170.2(GLDC):c.2315+2T>A is a variant in a canonical splice site classified as likely pathogenic in the context of glycine encephalopathy, GLDC-related. c.2315+2T>A has been observed in a case with relevant disease (PMID: 27362913). Relevant functional assessments of this variant are not available in the literature. c.2315+2T>A has not been observed in referenced population frequency databases. In summary, NM_000170.2(GLDC):c.2315+2T>A is a variant in a canonical splice site in a gene where loss of function is a known mechanism of disease, is predicted to disrupt protein function, and has been observed more frequently in cases with the relevant disease than in healthy populations. Please note: this variant was assessed in the context of healthy population screening.

Fulgent Genetics
Classification: Likely pathogenic for Glycine encephalopathy 1. Last evaluated: 2022-04-22. Review status: criteria provided, single submitter. Criteria: ACMG Guidelines, 2015. Collection method: clinical testing. Allele origin: unknown.

Labcorp Genetics (formerly Invitae), Labcorp
Classification: Pathogenic for Glycine encephalopathy. Last evaluated: 2021-12-22. Review status: criteria provided, single submitter. Criteria: Invitae Variant Classification Sherloc (09022015). Collection method: clinical testing. Allele origin: germline.
Comment: Algorithms developed to predict the effect of sequence changes on RNA splicing suggest that this variant may disrupt the consensus splice site. This sequence change affects a donor splice site in intron 19 of the GLDC gene. It is expected to disrupt RNA splicing. Variants that disrupt the donor or acceptor splice site typically lead to a loss of protein function (PMID: 16199547), and loss-of-function variants in GLDC are known to be pathogenic (PMID: 16601880). This variant is not present in population databases (gnomAD no frequency). Disruption of this splice site has been observed in individual(s) with GLDC-related conditions (PMID: 27362913). In at least one individual the data is consistent with being in trans (on the opposite chromosome) from a pathogenic variant. ClinVar contains an entry for this variant (Variation ID: 557785). For these reasons, this variant has been classified as Pathogenic.

Counsyl
Classification: Likely pathogenic for Glycine encephalopathy 1. Last evaluated: 2018-04-06. Review status: no assertion criteria provided. Collection method: clinical testing. Allele origin: unknown. Not counted in ClinVar's aggregate classification.

Literature cited by the submitters: PubMed 27362913 (cited by 3 submitters); PubMed 16199547 (cited by Labcorp Genetics (formerly Invitae), Labcorp); PubMed 16601880 (cited by Labcorp Genetics (formerly Invitae), Labcorp).

NM_000170.3(GLDC):c.2315+2T>A

Gene: GLDC (glycine decarboxylase; minus strand). Cytogenetic location: 9p24.1.
Variant type: single nucleotide variant.
Coding change: c.2315+2T>A on transcript NM_000170.3 (MANE Select); the canonical splice donor site of the intron after coding-DNA position 2315, T replaced by A.
Molecular consequence: splice donor variant.
Genome position (GRCh38, 1-based): chr9:6,554,667, A>T on the plus strand (T>A on the coding strand, the complement: GLDC is on the minus strand). VCF-style: chr9-6554667-A-T. GRCh37 (hg19) VCF-style: chr9-6554667-A-T.
Identifiers: ClinVar variation 557785 (VCV000557785.12), dbSNP rs1554643738, ClinGen allele CA372879943.